The following is an entry in ClinVar:

ClinVar aggregate classification (germline): Uncertain significance (1 of 4 stars; one submission).

Conditions:
Congenital contractural arachnodactyly (CCA). Also called: BEALS SYNDROME; Beals-Hecht syndrome; Arthrogryposis, distal, type 9. Identifiers: Orphanet 115, MedGen C0220668, MONDO:0007363, OMIM 121050.

gnomAD v4.1: 2 of 1,613,928 alleles (0.00012%); highest among the groups gnomAD compares: Non-Finnish European, 0.00017%; no homozygotes.

Submission:

Labcorp Genetics (formerly Invitae), Labcorp
Classification: Uncertain significance for Congenital contractural arachnodactyly. Last evaluated: 2022-09-25. Review status: criteria provided, single submitter. Criteria: Invitae Variant Classification Sherloc (09022015). Collection method: clinical testing. Allele origin: germline.
Comment: This sequence change replaces serine, which is neutral and polar, with arginine, which is basic and polar, at codon 310 of the FBN2 protein (p.Ser310Arg). This variant is not present in population databases (gnomAD no frequency). This variant has not been reported in the literature in individuals affected with FBN2-related conditions. Advanced modeling of protein sequence and biophysical properties (such as structural, functional, and spatial information, amino acid conservation, physicochemical variation, residue mobility, and thermodynamic stability) performed at Invitae indicates that this missense variant is not expected to disrupt FBN2 protein function. In summary, the available evidence is currently insufficient to determine the role of this variant in disease. Therefore, it has been classified as a Variant of Uncertain Significance.

NM_001999.4(FBN2):c.930T>A (p.Ser310Arg)

Gene: FBN2 (fibrillin 2; minus strand). Cytogenetic location: 5q23.3.
Variant type: single nucleotide variant.
Coding change: c.930T>A on transcript NM_001999.4 (MANE Select); coding-DNA position 930, T replaced by A.
Protein change: p.Ser310Arg; replaces serine 310 with arginine.
Molecular consequence: missense variant.
Genome position (GRCh38, 1-based): chr5:128,446,503, A>T on the plus strand (T>A on the coding strand, the complement: FBN2 is on the minus strand). VCF-style: chr5-128446503-A-T. GRCh37 (hg19) VCF-style: chr5-127782196-A-T.
Other names: short protein forms S310R.
Identifiers: ClinVar variation 1719445 (VCV001719445.6), dbSNP rs757878285, ClinGen allele CA360751926.